The following is an entry in ClinVar:

ClinVar aggregate classification (germline): Pathogenic. Review status: criteria provided, multiple submitters, no conflicts (2 of 4 stars). 2 submissions from 2 submitters: Pathogenic (2). Last evaluated 2023-11-13.

Conditions:
Wilms tumor 1 (WT1). Also called: Wilms tumor, somatic. Identifiers: Orphanet 654, MedGen CN033288, MONDO:0008679, OMIM 194070.

Submissions (2):

Molecular Genetics and NGS Laboratory, Hospital Fundacion Valle Del Lili
Classification: Pathogenic for Wilms tumor 1. Last evaluated: 2023-11-13. Review status: criteria provided, single submitter. Criteria: ACMG Guidelines, 2015. Collection method: clinical testing. Allele origin: germline. Affected: yes. Observed: 1 variant allele.

St. Jude Molecular Pathology, St. Jude Children's Research Hospital
Classification: Pathogenic for Wilms tumor 1. Last evaluated: 2021-11-11. Review status: criteria provided, single submitter. Criteria: St. Jude Assertion Criteria 2020. Collection method: clinical testing. Allele origin: germline. Affected: yes.
Comment: The WT1 c.819dup (p.Thr274HisfsTer19) change inserts 1 nucleotide in exon 3 of the WT1 gene to cause a frameshift and the creation of a premature stop codon. This change is predicted to cause protein truncation or absence of the protein due to nonsense-mediated decay (PVS1). This variant is absent in gnomAD v2.1.1 (PM2_supporting). In summary, this variant meets criteria to be classified as pathogenic based on the ACMG/AMP criteria: PVS1, PS4_supporting, PM2_supporting.

NM_024426.6(WT1):c.834dup (p.Thr279fs)

Gene: WT1 (WT1 transcription factor; minus strand). Cytogenetic location: 11p13.
Variant type: Duplication.
Coding change: c.834dup on transcript NM_024426.6 (MANE Select); coding-DNA position 834, one base duplicated (C; older notation c.834dupC).
Protein change: p.Thr279fs; shifts the reading frame from threonine 279.
Molecular consequence: frameshift variant. On other transcripts: non-coding transcript variant (1).
Genome position (GRCh38, 1-based): chr11:32,428,009, G duplicated on the plus strand (C on the coding strand, the reverse complement: WT1 is on the minus strand); the first of 5 consecutive G bases (chr11:32,428,009-32,428,013); duplicating any one gives the same sequence. VCF-style (leftmost placement, unchanged base first): chr11-32428008-T-TG. GRCh37 (hg19) VCF-style: chr11-32449554-T-TG.
Other names: p.Thr279fs; c.834dup, p.Thr279fs (NM_000378.6, NM_024424.5); c.179dup, p.Thr62Hisfs (NM_001198551.2); c.183dup, p.Thr62fs (NM_001198552.2); c.830dup, p.Thr279Hisfs (NM_001407044.1, NM_001407045.1, NM_001407046.1 and 2 more transcripts); c.707dup, p.Thr238Hisfs (NM_001407047.1, NM_001407050.1); c.68dup, p.Thr25Hisfs (NM_001407051.1); c.815dup, p.Thr274Hisfs (NM_024425.2); short protein forms T279fs, T62fs.
Identifiers: ClinVar variation 1327577 (VCV001327577.6), dbSNP rs2133072543, ClinGen allele CA2573053489.